The following is an entry in ClinVar:

ClinVar aggregate classification (germline): Conflicting classifications of pathogenicity. Review status: criteria provided, conflicting classifications (1 of 4 stars). 11 submissions from 11 submitters: Uncertain significance (3); Benign (1); Likely benign (6). 1 of the submissions does not count toward it. Last evaluated 2026-06-01.

Conditions:
Lymphangiomyomatosis (LAM). Also called: Lymphangioleiomyomatosis; Lymphangioleiomyomatosis, somatic. Identifiers: Orphanet 538, MedGen C0751674, MONDO:0011705, OMIM 606690.
Isolated focal cortical dysplasia type II (FCORD2). Also called: CORTICAL DYSPLASIA OF TAYLOR; Focal cortical dysplasia type II. Identifiers: Orphanet 268994, MedGen C1846385, MONDO:0011818, OMIM 607341, HP:0032051.
Tuberous sclerosis 2 (TSC2). Identifiers: Orphanet 805, MedGen C1860707, MONDO:0013199, OMIM 613254.
TSC2-related disorder. Also called: TSC2-related condition; TSC2-Related Disorders.
Hereditary cancer-predisposing syndrome. Also called: Hereditary Cancer Syndrome; Tumor predisposition; Neoplastic Syndromes, Hereditary; Hereditary neoplastic syndrome. Identifiers: Orphanet 140162, MedGen C0027672, MeSH D009386, MONDO:0015356.
Tuberous sclerosis syndrome (TSC). Also called: Tuberous Sclerosis Complex; Tuberous sclerosis. Identifiers: Orphanet 805, MedGen C0041341, MONDO:0001734.

Allele frequency attached by ClinVar (database versions not stated): TOPMed 0.00002.
gnomAD v4.1: 15 of 1,612,842 alleles (0.00093%); highest among the groups gnomAD compares: Admixed American, 0.013%; no homozygotes.

Submissions (11):

CeGaT Center for Human Genetics Tuebingen
Classification: Likely benign. Last evaluated: 2026-06-01. Review status: criteria provided, single submitter. Criteria: CeGaT Center For Human Genetics Tuebingen Variant Classification Criteria Version 2. Collection method: clinical testing. Allele origin: germline. Affected: yes. Observed: 1 variant allele.
Comment: TSC2: BP4, BS3:Supporting

Labcorp Genetics (formerly Invitae), Labcorp
Classification: Benign for Tuberous sclerosis 2. Last evaluated: 2025-11-05. Review status: criteria provided, single submitter. Criteria: Invitae Variant Classification Sherloc (09022015). Collection method: clinical testing. Allele origin: germline.

PreventionGenetics, part of Exact Sciences
Classification: Likely benign for TSC2-related condition. Last evaluated: 2025-10-27. Review status: criteria provided, single submitter. Criteria: ACMG Guidelines, 2015. Collection method: clinical testing. Allele origin: germline.
Comment: This variant is classified as likely benign based on ACMG/AMP sequence variant interpretation guidelines (Richards et al. 2015 PMID: 25741868, with internal and published modifications).

Department of Pathology and Laboratory Medicine, Sinai Health System
Classification: Uncertain significance for Lymphangiomyomatosis; Isolated focal cortical dysplasia type II; Tuberous sclerosis 2. Last evaluated: 2024-06-21. Review status: criteria provided, single submitter. Criteria: ACMG Guidelines, 2015. Collection method: clinical testing. Allele origin: germline. Affected: yes.

Quest Diagnostics Nichols Institute San Juan Capistrano
Classification: Uncertain significance. Last evaluated: 2023-06-05. Review status: criteria provided, single submitter. Criteria: Quest Diagnostics criteria. Collection method: clinical testing. Allele origin: unknown.
Comment: In the published literature, the variant has been reported in an individual with tuberous sclerosis complex (TSC) (PMID: 32917966 (2021)). It has also been reported to have no deleterious effect on TSC2 target kinase activity (PMID: 21309039 (2011)), however additional studies are required to determine the global effect of this variant on TSC2 protein function. The frequency of this variant in the general population, 0.000065 (2/30608 chromosomes), is uninformative in assessment of its pathogenicity. Analysis of this variant using bioinformatics tools for the prediction of the effect of amino acid changes on protein structure and function yielded predictions that this variant is benign. Based on the available information, we are unable to determine the clinical significance of this variant.

Color Diagnostics, LLC DBA Color Health
Classification: Likely benign for Tuberous sclerosis syndrome. Last evaluated: 2022-08-16. Review status: criteria provided, single submitter. Criteria: ACMG Guidelines, 2015. Collection method: clinical testing. Allele origin: germline.

Genome-Nilou Lab
Classification: Likely benign for Tuberous sclerosis 2. Last evaluated: 2021-11-07. Review status: criteria provided, single submitter. Criteria: ACMG Guidelines, 2015. Collection method: clinical testing. Allele origin: germline. Affected: no.

Ambry Genetics
Classification: Likely benign for Hereditary cancer-predisposing syndrome. Last evaluated: 2017-02-10. Review status: criteria provided, single submitter. Criteria: Ambry Variant Classification Scheme 2023. Collection method: clinical testing. Allele origin: germline.

GeneDx
Classification: Likely benign. Last evaluated: 2016-02-09. Review status: criteria provided, single submitter. Criteria: GeneDx Variant Classification (06012015). Collection method: clinical testing. Allele origin: germline. Affected: yes.
Comment: This variant is considered likely benign or benign based on one or more of the following criteria: it is a conservative change, it occurs at a poorly conserved position in the protein, it is predicted to be benign by multiple in silico algorithms, and/or has population frequency not consistent with disease.

Eurofins Ntd Llc (ga)
Classification: Uncertain significance. Last evaluated: 2015-02-23. Review status: criteria provided, single submitter. Criteria: EGL Classification Definitions 2015. Collection method: clinical testing. Allele origin: germline. Observed: 1 variant allele, 1 heterozygote.

Tuberous sclerosis database (TSC2)
No classification provided. Condition: TSC. Review status: no classification provided. Criteria: Tuberous Sclerosis Database Assertion Criteria 2015. Collection method: curation. Allele origin: germline. Affected: yes. Not counted in ClinVar's aggregate classification.

Literature cited by the submitters: PubMed 32917966 (cited by Department of Pathology and Laboratory Medicine, Sinai Health System and Quest Diagnostics Nichols Institute San Juan Capistrano); PubMed 21309039 (cited by 3 submitters).

NM_000548.5(TSC2):c.3476G>A (p.Arg1159Gln)

Gene: TSC2 (TSC complex subunit 2; plus strand). Cytogenetic location: 16p13.3.
Variant type: single nucleotide variant.
Coding change: c.3476G>A on transcript NM_000548.5 (MANE Select); coding-DNA position 3476, G replaced by A.
Protein change: p.Arg1159Gln; replaces arginine 1159 with glutamine.
Molecular consequence: missense variant.
Genome position (GRCh38, 1-based): chr16:2,080,243, G>A. VCF-style: chr16-2080243-G-A. GRCh37 (hg19) VCF-style: chr16-2130244-G-A.
Other names: c.3344G>A, p.Arg1115Gln (NM_001077183.3, NM_001370404.1); c.3476G>A, p.Arg1159Gln (NM_001114382.3); c.3236G>A, p.Arg1079Gln (NM_001318827.2); c.3200G>A, p.Arg1067Gln (NM_001318829.2); c.2744G>A, p.Arg915Gln (NM_001318831.2); c.3377G>A, p.Arg1126Gln (NM_001318832.2); c.3347G>A, p.Arg1116Gln (NM_001363528.2, NM_001370405.1, NM_021055.3); c.3476G>A (NM_000548.4); short protein forms R1159Q, R1079Q, R1126Q, R1115Q, R1116Q, R915Q, R1067Q.
Identifiers: ClinVar variation 49755 (VCV000049755.26), dbSNP rs45473098, ClinGen allele CA019197.
Genomic context (GRCh38, chr16:2,080,243, plus strand): 5'-TTGGCGCCCTGGACGTGCCGGCCTCCCAGTTCCTGGGCAGTGCCACTTCTCCAGGACCAC[G>A]GACTGCACCAGCCGCGAAACCTGAGAAGGCCTCAGCTGGCACCCGGGTTCCTGTGCAGGA-3'
Protein context (NP_000539.2, residues 1149-1169): FLGSATSPGP[Arg1159Gln]TAPAAKPEKA